The following is an entry in ClinVar:

ClinVar aggregate classification (germline): Uncertain significance. Review status: criteria provided, multiple submitters, no conflicts (2 of 4 stars). 7 submissions from 7 submitters: Uncertain significance (7). Last evaluated 2025-09-24.

Conditions:
Hereditary nonpolyposis colorectal neoplasms. Identifiers: MedGen C0009405, MeSH D003123.
Lynch syndrome. Identifiers: Orphanet 144, MedGen C4552100, MONDO:0005835. Disease mechanism: loss of function.
Hereditary cancer-predisposing syndrome. Also called: Hereditary neoplastic syndrome; Tumor predisposition; Hereditary Cancer Syndrome; Neoplastic Syndromes, Hereditary. Identifiers: Orphanet 140162, MedGen C0027672, MeSH D009386, MONDO:0015356.

Allele frequency attached by ClinVar (database versions not stated): gnomAD exomes below 0.00001.
gnomAD v4.1: 2 of 1,614,106 alleles (0.00012%); highest among the groups gnomAD compares: Non-Finnish European, 0.00017%; no homozygotes.

Submissions (7):

Labcorp Genetics (formerly Invitae), Labcorp
Classification: Uncertain significance for Hereditary nonpolyposis colorectal neoplasms. Last evaluated: 2025-09-24. Review status: criteria provided, single submitter. Criteria: Invitae Variant Classification Sherloc (09022015). Collection method: clinical testing. Allele origin: germline.
Comment: This sequence change replaces isoleucine, which is neutral and non-polar, with threonine, which is neutral and polar, at codon 258 of the MSH6 protein (p.Ile258Thr). This variant is not present in population databases (gnomAD no frequency). This missense change has been observed in individual(s) with clinical features of Lynch syndrome (PMID: 34897210). ClinVar contains an entry for this variant (Variation ID: 491992). Invitae Evidence Modeling of protein sequence and biophysical properties (such as structural, functional, and spatial information, amino acid conservation, physicochemical variation, residue mobility, and thermodynamic stability) indicates that this missense variant is not expected to disrupt MSH6 protein function with a negative predictive value of 95%. In summary, the available evidence is currently insufficient to determine the role of this variant in disease. Therefore, it has been classified as a Variant of Uncertain Significance.

Center for Genomic Medicine, Rigshospitalet, Copenhagen University Hospital
Classification: Uncertain significance. Last evaluated: 2025-03-04. Review status: criteria provided, single submitter. Criteria: ACMG Guidelines, 2015. Collection method: clinical testing. Allele origin: germline.

Molecular Diagnostics Laboratory, Catalan Institute of Oncology
Classification: Uncertain significance for Hereditary cancer-predisposing syndrome. Last evaluated: 2025-02-23. Review status: criteria provided, single submitter. Criteria: MMR VCEP Paper Draft V3.1. Collection method: clinical testing. Allele origin: germline.
Comment: PM2_supporting, BP4 c.773T>C, located in exon 4 of the MSH6 gene, is predicted to result in the substitution of Isoleucine by Threonine at codon 258, p.(Ile258Thr). It is not present in the population database gnomAD v2.1.1, non cancer dataset (PM2_supporting). Computational tools for this variant suggests no significant impact on splicing and does not affect the protein function (MAPP+PolyPhen-2 prior probability for pathogenicity: 0.00) (BP4). To our knowledge, functional studies have been reported for this variant. Co-occurrences with a pathogenic variant has been reported (MLH1 c.1989G>A; Lagerstedt-Robinson 2016). MSH6 c.773T>C has also been reported in a FAP individual (Kim 2019). It has been reported as an uncertain significance in ClinVar. Based on the currently available information, c.773T>C is classified as an uncertain significance variant according to MMR specif. draft v3.1.

Color Diagnostics, LLC DBA Color Health
Classification: Uncertain significance for Hereditary cancer-predisposing syndrome. Last evaluated: 2024-11-26. Review status: criteria provided, single submitter. Criteria: ACMG Guidelines, 2015. Collection method: clinical testing. Allele origin: germline.
Comment: This missense variant replaces isoleucine with threonine at codon 258 of the MSH6 protein. Computational prediction suggests that this variant may not impact protein structure and function (internally defined REVEL score threshold <= 0.5, PMID: 27666373). To our knowledge, functional studies have not been reported for this variant. This variant has not been reported in individuals affected with MSH6-related disorders in the literature. This variant has not been identified in the general population by the Genome Aggregation Database (gnomAD). The available evidence is insufficient to determine the role of this variant in disease conclusively. Therefore, this variant is classified as a Variant of Uncertain Significance.

Ambry Genetics
Classification: Uncertain significance for Hereditary cancer-predisposing syndrome. Last evaluated: 2024-03-27. Review status: criteria provided, single submitter. Criteria: Ambry Variant Classification Scheme 2023. Collection method: clinical testing. Allele origin: germline.
Comment: The p.I258T variant (also known as c.773T>C), located in coding exon 4 of the MSH6 gene, results from a T to C substitution at nucleotide position 773. The isoleucine at codon 258 is replaced by threonine, an amino acid with similar properties. This variant has been identified in conjunction with MLH1 c.1989G>A in a cohort of Swedish families with features consistent with Lynch syndrome (Lagerstedt-Robinson K et al. Oncol. Rep., 2016 Nov;36:2823-2835). This amino acid position is not well conserved in available vertebrate species. In addition, this alteration is predicted to be tolerated by in silico analysis. Based on the available evidence, the clinical significance of this alteration remains unclear.

All of Us Research Program, National Institutes of Health
Classification: Uncertain significance for Lynch syndrome. Last evaluated: 2023-04-27. Review status: criteria provided, single submitter. Criteria: ACMG Guidelines, 2015. Collection method: clinical testing. Allele origin: germline. Inheritance: Autosomal dominant inheritance. Observed: 1 variant allele, 1 heterozygote.
Comment: This study involves interpretation of variants in research participants for the purpose of population health screening. Participant phenotype was not available at the time of variant classification. Additional details can be found in publication PMID: 35346344, PMCID: PMC8962531

Women's Health and Genetics/Laboratory Corporation of America, LabCorp
Classification: Uncertain significance. Last evaluated: 2020-01-13. Review status: criteria provided, single submitter. Criteria: LabCorp Variant Classification Summary - May 2015. Collection method: clinical testing. Allele origin: germline.
Comment: Variant summary: MSH6 c.773T>C (p.Ile258Thr) results in a non-conservative amino acid change in the encoded protein sequence. Four of five in-silico tools predict a benign effect of the variant on protein function. The variant was absent in 251164 control chromosomes. The available data on variant occurrences in the general population are insufficient to allow any conclusion about variant significance. c.773T>C has been reported in the literature in individuals affected with Lynch Syndrome or FAP (Lagerstedt-Robinson_2016, Kim_2019). These reports do not provide unequivocal conclusions about association of the variant with Lynch Syndrome. Co-occurrences with a pathogenic variant has been reported (MLH1 c.1989G>A; Lagerstedt-Robinson_2016), providing supporting evidence for a benign role. To our knowledge, no experimental evidence demonstrating an impact on protein function has been reported. Two clinical diagnostic laboratories have submitted clinical-significance assessments for this variant to ClinVar after 2014 without evidence for independent evaluation. Both laboratories classified the variant as uncertain significance. Based on the evidence outlined above, the variant was classified as uncertain significance.

Literature cited by the submitters: PubMed 34897210 (cited by Labcorp Genetics (formerly Invitae), Labcorp); PubMed 27601186 (cited by Ambry Genetics and Women's Health and Genetics/Laboratory Corporation of America, LabCorp); PubMed 23621914 (cited by Women's Health and Genetics/Laboratory Corporation of America, LabCorp); PubMed 31269945 (cited by Women's Health and Genetics/Laboratory Corporation of America, LabCorp).

NM_000179.3(MSH6):c.773T>C (p.Ile258Thr)

Gene: MSH6 (mutS homolog 6; plus strand). Cytogenetic location: 2p16.3.
Variant type: single nucleotide variant.
Coding change: c.773T>C on transcript NM_000179.3 (MANE Select); coding-DNA position 773, T replaced by C.
Protein change: p.Ile258Thr; replaces isoleucine 258 with threonine.
Molecular consequence: missense variant. On other transcripts: 5 prime UTR variant (2).
Genome position (GRCh38, 1-based): chr2:47,798,756, T>C. VCF-style: chr2-47798756-T-C. GRCh37 (hg19) VCF-style: chr2-48025895-T-C.
Other names: c.383T>C, p.Ile128Thr (NM_001281492.2); c.-134T>C (NM_001281493.2, NM_001281494.2); short protein forms I258T, I128T.
Identifiers: ClinVar variation 491992 (VCV000491992.22), dbSNP rs1553412195, ClinGen allele CA346740217.